The following is an entry in ClinVar:

NM_003919.3(SGCE):c.110-3C>A

Genes: CASD1 (CAS1 domain sialic acid O acetyltransferase 1; plus strand), SGCE (sarcoglycan epsilon; minus strand). Cytogenetic location: 7q21.3.
Variant type: single nucleotide variant.
Coding change: c.110-3C>A on transcript NM_003919.3 (MANE Select); 3 bases into the intron before coding-DNA position 110, C replaced by A.
Molecular consequence: intron variant.
Genome position (GRCh38, 1-based): chr7:94,629,844, G>T on the plus strand (C>A on the coding strand, the complement: SGCE is on the minus strand). VCF-style: chr7-94629844-G-T. GRCh37 (hg19) VCF-style: chr7-94259156-G-T.
Other names: c.110-1485C>A (NM_001362809.2, NM_001301139.2); c.110-3C>A (NM_001346717.2, NM_001099400.2, NM_001099401.2); c.218-3C>A (NM_001346715.2, NM_001346713.2); c.23-3C>A (NM_001362807.2, NM_001346719.2); c.-164-3C>A (NM_001362808.2, NM_001346720.2).
Identifiers: ClinVar variation 3656822 (VCV003656822.2).

ClinVar aggregate classification (germline): Uncertain significance (1 of 4 stars; one submission).

Conditions:
Myoclonic dystonia 11 (DYT11). Also called: Myoclonic dystonia; Dystonia 11; Dystonia, alcohol responsive; Hereditary essential myoclonus; SGCE Myoclonus-Dystonia; Myoclonus-Dystonia. Identifiers: Orphanet 36899, MedGen C1834570, MONDO:0008044, OMIM 159900.

Submission:

Labcorp Genetics (formerly Invitae), Labcorp
Classification: Uncertain significance for Myoclonic dystonia 11. Last evaluated: 2024-06-17. Review status: criteria provided, single submitter. Criteria: Invitae Variant Classification Sherloc (09022015). Collection method: clinical testing. Allele origin: germline.
Comment: This sequence change falls in intron 1 of the SGCE gene. It does not directly change the encoded amino acid sequence of the SGCE protein. It affects a nucleotide within the consensus splice site. This variant is not present in population databases (gnomAD no frequency). This variant has not been reported in the literature in individuals affected with SGCE-related conditions. Variants that disrupt the consensus splice site are a relatively common cause of aberrant splicing (PMID: 17576681, 9536098). Algorithms developed to predict the effect of sequence changes on RNA splicing suggest that this variant may disrupt the consensus splice site. In summary, the available evidence is currently insufficient to determine the role of this variant in disease. Therefore, it has been classified as a Variant of Uncertain Significance.

Literature cited by the submitters: PubMed 17576681; PubMed 9536098.